The following is an entry in ClinVar:

ClinVar aggregate classification (germline): Uncertain significance. Review status: criteria provided, multiple submitters, no conflicts (2 of 4 stars). 2 submissions from 2 submitters: Uncertain significance (2). Last evaluated 2023-08-01.

Conditions:
Bethlem myopathy 1A. Also called: MYOPATHY, BENIGN CONGENITAL, WITH CONTRACTURES; Bethlem Muscular Dystrophy; Bethlem myopathy 1. Identifiers: Orphanet 610, MedGen CN029274, MONDO:0024530, OMIM 158810.

Allele frequency attached by ClinVar (database versions not stated): gnomAD 0.00001.
gnomAD v4.1: 5 of 1,612,980 alleles (0.00031%); highest among the groups gnomAD compares: Non-Finnish European, 0.00042%; no homozygotes.

Submissions (2):

CeGaT Center for Human Genetics Tuebingen
Classification: Uncertain significance. Last evaluated: 2023-08-01. Review status: criteria provided, single submitter. Criteria: CeGaT Center For Human Genetics Tuebingen Variant Classification Criteria Version 2. Collection method: clinical testing. Allele origin: germline. Affected: yes. Observed: 1 variant allele.
Comment: COL6A1: PM2

Labcorp Genetics (formerly Invitae), Labcorp
Classification: Uncertain significance for Bethlem myopathy 1A. Last evaluated: 2022-07-25. Review status: criteria provided, single submitter. Criteria: Invitae Variant Classification Sherloc (09022015). Collection method: clinical testing. Allele origin: germline.
Comment: In summary, the available evidence is currently insufficient to determine the role of this variant in disease. Therefore, it has been classified as a Variant of Uncertain Significance. Advanced modeling of protein sequence and biophysical properties (such as structural, functional, and spatial information, amino acid conservation, physicochemical variation, residue mobility, and thermodynamic stability) performed at Invitae indicates that this missense variant is not expected to disrupt COL6A1 protein function. This variant has not been reported in the literature in individuals affected with COL6A1-related conditions. This variant is not present in population databases (gnomAD no frequency). This sequence change replaces asparagine, which is neutral and polar, with lysine, which is basic and polar, at codon 917 of the COL6A1 protein (p.Asn917Lys).

NM_001848.3(COL6A1):c.2751C>G (p.Asn917Lys)

Gene: COL6A1 (collagen type VI alpha 1 chain; plus strand). Cytogenetic location: 21q22.3.
Variant type: single nucleotide variant.
Coding change: c.2751C>G on transcript NM_001848.3 (MANE Select); coding-DNA position 2751, C replaced by G.
Protein change: p.Asn917Lys; replaces asparagine 917 with lysine.
Molecular consequence: missense variant.
Genome position (GRCh38, 1-based): chr21:46,003,677, C>G. VCF-style: chr21-46003677-C-G. GRCh37 (hg19) VCF-style: chr21-47423591-C-G.
Other names: short protein forms N917K.
Identifiers: ClinVar variation 2044389 (VCV002044389.28), dbSNP rs767760988, ClinGen allele CA321980175.
Genomic context (GRCh38, chr21:46,003,677, plus strand): 5'-CACGGCCCTGGCCAGTGCCGTCGATGCCATGGACTTTATCAACGACGCCACCGACGTCAA[C>G]GATGCCCTGGGCTATGTGACCCGCTTCTACCGCGAGGCCTCGTCCGGCGCTGCCAAGAAG-3'
Protein context (NP_001839.2, residues 907-927): MDFINDATDV[Asn917Lys]DALGYVTRFY